The following is an entry in ClinVar:

NM_004318.4(ASPH):c.322+12725A>G

Gene: ASPH (aspartate beta-hydroxylase; minus strand). Cytogenetic location: 8q12.3.
Variant type: single nucleotide variant.
Coding change: c.322+12725A>G on transcript NM_004318.4 (MANE Select); 12725 bases into the intron after coding-DNA position 322, A replaced by G.
Molecular consequence: intron variant. On other transcripts: missense variant (2).
Genome position (GRCh38, 1-based): chr8:61,668,243, T>C on the plus strand (A>G on the coding strand, the complement: ASPH is on the minus strand). VCF-style: chr8-61668243-T-C. GRCh37 (hg19) VCF-style: chr8-62580802-T-C.
Other names: c.313A>G, p.Lys105Glu (NM_020164.5); c.268A>G, p.Lys90Glu (NM_032467.4); c.322+12725A>G (NM_001413901.1, NM_001413909.1, NM_001413895.1 and 47 more transcripts); c.367+12725A>G (NM_001413874.1, NM_001413865.1, NM_001413872.1 and 7 more transcripts); c.235+12725A>G (NM_001164750.2, NM_001413908.1, NM_001413907.1 and 4 more transcripts); c.280+12725A>G (NM_001413856.1, NM_001164753.2, NM_001164752.2 and 3 more transcripts); short protein forms K105E, K90E.
Identifiers: ClinVar variation 2582048 (VCV002582048.1), dbSNP rs79877023, ClinGen allele CA4762372.

ClinVar aggregate classification (germline): Uncertain significance (1 of 4 stars; one submission).

Allele frequency attached by ClinVar (database versions not stated): 1000 Genomes Project 30x 0.00031; 1000 Genomes Project 0.00040; ExAC 0.00045; gnomAD 0.00050; TOPMed 0.00056; gnomAD exomes 0.00060; ESP Exome Variant Server 0.00062.
gnomAD v4.1: 939 of 1,609,418 alleles (0.058%); highest among the groups gnomAD compares: Non-Finnish European, 0.075%; 1 homozygote.

Submission:

GeneDx
Classification: Uncertain significance. Last evaluated: 2023-03-23. Review status: criteria provided, single submitter. Criteria: GeneDx Variant Classification Process June 2021. Collection method: clinical testing. Allele origin: germline. Affected: yes.
Comment: Reported using an alternate transcript of the gene; In silico analysis supports that this variant does not alter splicing; Has not been previously published as pathogenic or benign to our knowledge